The following is an entry in ClinVar:

ClinVar aggregate classification (germline): Likely pathogenic (1 of 4 stars; one submission).

Conditions:
PHKA2-related disorder. Also called: PHKA2-related condition.

Submission:

PreventionGenetics, part of Exact Sciences
Classification: Likely pathogenic for PHKA2-related condition. Last evaluated: 2025-01-31. Review status: criteria provided, single submitter. Criteria: ACMG Guidelines, 2015. Collection method: clinical testing. Allele origin: germline.
Comment: The PHKA2 c.2542C>T variant is predicted to result in premature protein termination (p.Gln848*). To our knowledge, this variant has not been reported in the literature. This variant is also absent from one public population database (gnomAD), indicating that this variant is rare in the general population. Nonsense variants in PHKA2 are expected to be pathogenic. This variant is interpreted as likely pathogenic.

NM_000292.3(PHKA2):c.2542C>T (p.Gln848Ter)

Gene: PHKA2 (phosphorylase kinase regulatory subunit alpha 2; minus strand). Cytogenetic location: Xp22.13.
Variant type: single nucleotide variant.
Coding change: c.2542C>T on transcript NM_000292.3 (MANE Select); coding-DNA position 2542, C replaced by T.
Protein change: p.Gln848Ter; replaces glutamine 848 with a stop codon.
Molecular consequence: nonsense.
Genome position (GRCh38, 1-based): chrX:18,907,073, G>A on the plus strand (C>T on the coding strand, the complement: PHKA2 is on the minus strand). VCF-style: chrX-18907073-G-A. GRCh37 (hg19) VCF-style: chrX-18925191-G-A.
Other names: c.2542C>T, p.Gln848Ter (NM_001440800.1, NM_001440801.1, NM_001440805.1); c.2443C>T, p.Gln815Ter (NM_001440802.1, NM_001440803.1, NM_001440804.1); short protein forms Q815*, Q848*.
Identifiers: ClinVar variation 4983865 (VCV004983865.1).